The following is an entry in ClinVar:

ClinVar aggregate classification (germline): Pathogenic/Likely pathogenic. Review status: criteria provided, multiple submitters, no conflicts (2 of 4 stars). 4 submissions from 4 submitters: Pathogenic (3); Likely pathogenic (1). Last evaluated 2025-12-16.

Conditions:
Hereditary cancer-predisposing syndrome. Also called: Neoplastic Syndromes, Hereditary; Tumor predisposition; Hereditary Cancer Syndrome; Hereditary neoplastic syndrome. Identifiers: Orphanet 140162, MedGen C0027672, MeSH D009386, MONDO:0015356.
Bloom syndrome (BLM). Also called: Bloom-Torre-Machacek syndrome. Identifiers: Orphanet 125, MedGen C0005859, MONDO:0008876, OMIM 210900.

Submissions (4):

Myriad Genetics, Inc.
Classification: Pathogenic for Bloom syndrome. Last evaluated: 2025-12-16. Review status: criteria provided, single submitter. Criteria: Myriad Autosomal Dominant, Autosomal Recessive and X-Linked Classification Criteria (2023). Collection method: clinical testing. Allele origin: unknown.
Comment: This variant is considered pathogenic. This variant creates a termination codon and is predicted to result in premature protein truncation.

Natera, Inc.
Classification: Likely pathogenic for Bloom syndrome. Last evaluated: 2025-07-14. Review status: criteria provided, single submitter. Criteria: Natera Variant Classification Schema (03/2026). Collection method: clinical testing. Allele origin: germline.
Comment: The c.1865C>G variant in BLM is a nonsense variant predicted to introduce a stop codon at amino acid 622. This variant is expected to result in nonsense mediated decay, truncation, or a dysfunctional protein product. This variant is rare in the general population with a frequency below the threshold expected for the associated phenotype(s). Given the available evidence, this variant is classified as Likely Pathogenic.

Labcorp Genetics (formerly Invitae), Labcorp
Classification: Pathogenic for Bloom syndrome. Last evaluated: 2024-05-21. Review status: criteria provided, single submitter. Criteria: Invitae Variant Classification Sherloc (09022015). Collection method: clinical testing. Allele origin: germline.
Comment: This sequence change creates a premature translational stop signal (p.Ser622*) in the BLM gene. It is expected to result in an absent or disrupted protein product. Loss-of-function variants in BLM are known to be pathogenic (PMID: 17407155). This variant is not present in population databases (gnomAD no frequency). This variant has not been reported in the literature in individuals affected with BLM-related conditions. ClinVar contains an entry for this variant (Variation ID: 1781570). For these reasons, this variant has been classified as Pathogenic.

Ambry Genetics
Classification: Pathogenic for Hereditary cancer-predisposing syndrome. Last evaluated: 2021-01-08. Review status: criteria provided, single submitter. Criteria: Ambry Variant Classification Scheme 2023. Collection method: clinical testing. Allele origin: germline.
Comment: The p.S622* pathogenic mutation (also known as c.1865C>G), located in coding exon 6 of the BLM gene, results from a C to G substitution at nucleotide position 1865. This changes the amino acid from a serine to a stop codon within coding exon 6. This alteration is expected to result in loss of function by premature protein truncation or nonsense-mediated mRNA decay. As such, this alteration is interpreted as a disease-causing mutation.

Literature cited by the submitters: PubMed 17407155 (cited by Labcorp Genetics (formerly Invitae), Labcorp).

NM_000057.4(BLM):c.1865C>G (p.Ser622Ter)

Gene: BLM (BLM RecQ like helicase; plus strand). Cytogenetic location: 15q26.1.
Variant type: single nucleotide variant.
Coding change: c.1865C>G on transcript NM_000057.4 (MANE Select); coding-DNA position 1865, C replaced by G.
Protein change: p.Ser622Ter; replaces serine 622 with a stop codon.
Molecular consequence: nonsense.
Genome position (GRCh38, 1-based): chr15:90,761,238, C>G. VCF-style: chr15-90761238-C-G. GRCh37 (hg19) VCF-style: chr15-91304468-C-G.
Other names: c.1865C>G, p.Ser622Ter (NM_001287246.2, NM_001287247.2); c.740C>G, p.Ser247Ter (NM_001287248.2); c.1865C>G (NM_000057.3); short protein forms S622*, S247*.
Identifiers: ClinVar variation 1781570 (VCV001781570.9), dbSNP rs2505429817, ClinGen allele CA393844011.